The following is an entry in ClinVar:

ClinVar aggregate classification (germline): Uncertain significance (1 of 4 stars; one submission).

Conditions:
Neu-Laxova syndrome 2. Identifiers: Orphanet 2671, Orphanet 583602, MedGen C4015019, MONDO:0014466, OMIM 616038.

Submission:

Labcorp Genetics (formerly Invitae), Labcorp
Classification: Uncertain significance for Neu-Laxova syndrome 2. Last evaluated: 2022-08-22. Review status: criteria provided, single submitter. Criteria: Invitae Variant Classification Sherloc (09022015). Collection method: clinical testing. Allele origin: germline.
Comment: This variant is not present in population databases (gnomAD no frequency). This sequence change falls in intron 8 of the PSAT1 gene. It does not directly change the encoded amino acid sequence of the PSAT1 protein. It affects a nucleotide within the consensus splice site. This variant has not been reported in the literature in individuals affected with PSAT1-related conditions. In summary, the available evidence is currently insufficient to determine the role of this variant in disease. Therefore, it has been classified as a Variant of Uncertain Significance. Variants that disrupt the consensus splice site are a relatively common cause of aberrant splicing (PMID: 17576681, 9536098). Algorithms developed to predict the effect of sequence changes on RNA splicing suggest that this variant may disrupt the consensus splice site. ClinVar contains an entry for this variant (Variation ID: 1350186).

Literature cited by the submitters: PubMed 17576681; PubMed 9536098.

NM_058179.4(PSAT1):c.1008-3T>A

Gene: PSAT1 (phosphoserine aminotransferase 1; plus strand). Cytogenetic location: 9q21.2.
Variant type: single nucleotide variant.
Coding change: c.1008-3T>A on transcript NM_058179.4 (MANE Select); 3 bases into the intron before coding-DNA position 1008, T replaced by A.
Molecular consequence: intron variant.
Genome position (GRCh38, 1-based): chr9:78,328,978, T>A. VCF-style: chr9-78328978-T-A. GRCh37 (hg19) VCF-style: chr9-80943894-T-A.
Other names: c.870-3T>A (NM_021154.5).
Identifiers: ClinVar variation 1350186 (VCV001350186.6), dbSNP rs2118717773, ClinGen allele CA2573144748.